The following is an entry in ClinVar:

ClinVar aggregate classification (germline): Benign/Likely benign. Review status: criteria provided, multiple submitters, no conflicts (2 of 4 stars). 3 submissions from 3 submitters: Benign (1); Likely benign (2). Last evaluated 2026-09-23.

Conditions:
Cardiovascular phenotype. Identifiers: MedGen CN230736.
Hereditary cancer-predisposing syndrome. Also called: Hereditary neoplastic syndrome; Neoplastic Syndromes, Hereditary; Tumor predisposition; Hereditary Cancer Syndrome. Identifiers: Orphanet 140162, MedGen C0027672, MeSH D009386, MONDO:0015356.
Neurofibromatosis, type 1 (NF1). Also called: Neurofibromatosis, type I; Peripheral type neurofibromatosis; VON RECKLINGHAUSEN DISEASE; NEUROFIBROMATOSIS, TYPE I, SOMATIC. Identifiers: Orphanet 636, MedGen C0027831, MONDO:0018975, OMIM 162200. Disease mechanism: loss of function.

Allele frequency attached by ClinVar (database versions not stated): gnomAD exomes below 0.00001; gnomAD 0.00001.
gnomAD v4.1: 3 of 1,613,458 alleles (0.00019%); highest among the groups gnomAD compares: Non-Finnish European, 0.00025%; no homozygotes.

Submissions (3):

Myriad Genetics, Inc.
Classification: Benign for Neurofibromatosis, type 1. Last evaluated: 2026-09-23. Review status: criteria provided, single submitter. Criteria: Myriad Autosomal Dominant, Autosomal Recessive and X-Linked Classification Criteria (2023). Collection method: clinical testing. Allele origin: unknown.
Comment: This variant is considered benign. This variant is a silent/synonymous amino acid change and it is not expected to impact splicing.

Labcorp Genetics (formerly Invitae), Labcorp
Classification: Likely benign for Neurofibromatosis, type 1. Last evaluated: 2025-05-15. Review status: criteria provided, single submitter. Criteria: Invitae Variant Classification Sherloc (09022015). Collection method: clinical testing. Allele origin: germline.

Ambry Genetics
Classification: Likely benign for Cardiovascular phenotype; Hereditary cancer-predisposing syndrome. Last evaluated: 2021-01-06. Review status: criteria provided, single submitter. Criteria: Ambry Variant Classification Scheme 2023. Collection method: clinical testing. Allele origin: germline.

NM_001042492.3(NF1):c.6729C>G (p.Ser2243=)

Gene: NF1 (neurofibromin 1; plus strand). Cytogenetic location: 17q11.2.
Variant type: single nucleotide variant.
Coding change: c.6729C>G on transcript NM_001042492.3 (MANE Select); coding-DNA position 6729, C replaced by G.
Protein change: p.Ser2243=; no amino-acid change (serine 2243 retained).
Molecular consequence: synonymous variant.
Genome position (GRCh38, 1-based): chr17:31,338,049, C>G. VCF-style: chr17-31338049-C-G. GRCh37 (hg19) VCF-style: chr17-29665067-C-G.
Other names: c.6666C>G, p.Ser2222= (NM_000267.4).
Identifiers: ClinVar variation 760665 (VCV000760665.13), dbSNP rs1337738132, ClinGen allele CA499234258.